The following is an entry in ClinVar:

NM_000284.4(PDHA1):c.1126_1131dup (p.Val377_Arg378insGluVal)

Gene: PDHA1 (pyruvate dehydrogenase E1 subunit alpha 1; plus strand). Cytogenetic location: Xp22.12.
Variant type: Duplication.
Coding change: c.1126_1131dup on transcript NM_000284.4 (MANE Select); coding-DNA positions 1126 to 1131, 6 bases duplicated (GAAGTT; older notation c.1126_1131dupGAAGTT).
Protein change: p.Val377_Arg378insGluVal.
Molecular consequence: inframe insertion.
Genome position (GRCh38, 1-based): chrX:19,359,606-19,359,611, GAAGTT duplicated; duplicating any 6 consecutive bases within chrX:19,359,604-19,359,611 gives the same sequence; the c. name uses the placement nearest the transcript's 3' end. VCF-style (leftmost placement, unchanged base first): chrX-19359603-T-TTTGAAG. GRCh37 (hg19) VCF-style: chrX-19377721-T-TTTGAAG.
Other names: c.1240_1245dup, p.Val415_Arg416insGluVal (NM_001173454.2); c.1147_1152dup, p.Val384_Arg385insGluVal (NM_001173455.2); c.1033_1038dup, p.Val346_Arg347insGluVal (NM_001173456.2).
Identifiers: ClinVar variation 4070465 (VCV004070465.1).

ClinVar aggregate classification (germline): Likely pathogenic (0 of 4 stars; one submission).

Conditions:
Pyruvate dehydrogenase E1-alpha deficiency (PDHAD). Also called: ATAXIA, INTERMITTENT, WITH PYRUVATE DEHYDROGENASE DEFICIENCY; ATAXIA WITH LACTIC ACIDOSIS I; ATAXIA, INTERMITTENT, WITH ABNORMAL PYRUVATE METABOLISM; Ataxia, intermittent, with pyruvate dehydrogenase, or decarboxylase, deficiency. Identifiers: Orphanet 79243, MedGen C1839413, MONDO:0010717, OMIM 312170.

Submission:

PDHA1 Study Group, University Children’s Hospital, Paracelsus Medical University
Classification: Likely pathogenic for Pyruvate dehydrogenase E1-alpha deficiency. Last evaluated: 2024-10-15. Review status: no assertion criteria provided. Collection method: research. Allele origin: germline. Affected: yes. Observed: 1 variant allele.
Comment: The NM_000284.3:c.1126_1131dup (p.Glu376_Val377dup) change is a deletion-insertion (delins) variant in PDHA1 gene. Last literature search: July 12, 2024. This variant is absent or extremely rare in population-based cohorts in the Genome Aggregation Database (gnomAD). Individuals harboring this variant presented with clinical features compatible with PDHA1-related PDHc deficiency. In summary, this variant meets criteria to be classified as pathogenic (P) for PDHA1-related PDHc deficiency based on the ACMG/AMP criteria applied: PS2, PS4, PM1, PM2, PP3, PP5 (last assessment October 15, 2024).

Literature cited by the submitters: DOI 10.1093/brain/awaf430.